The following is an entry in ClinVar:

ClinVar aggregate classification (germline): Pathogenic. Review status: criteria provided, multiple submitters, no conflicts (2 of 4 stars). 2 submissions from 2 submitters: Pathogenic (2). Last evaluated 2021-03-26.

Conditions:
Hereditary cancer-predisposing syndrome. Also called: Hereditary Cancer Syndrome; Neoplastic Syndromes, Hereditary; Hereditary neoplastic syndrome; Tumor predisposition. Identifiers: Orphanet 140162, MedGen C0027672, MeSH D009386, MONDO:0015356.
Familial thoracic aortic aneurysm and aortic dissection (TAAD). Also called: Thoracic aortic aneurysms and dissections. Identifiers: Orphanet 91387, MedGen C4707243, MONDO:0019625.
Juvenile polyposis/hereditary hemorrhagic telangiectasia syndrome (JPHT). Also called: JP/HHT SYNDROME; JUVENILE POLYPOSIS WITH HEREDITARY HEMORRHAGIC TELANGIECTASIA; POLYPOSIS, GENERALIZED JUVENILE, WITH PULMONARY ARTERIOVENOUS MALFORMATION; TELANGIECTASIA, HEREDITARY HEMORRHAGIC, WITH JUVENILE POLYPOSIS COLI; Juvenile Polyposis Syndrome / Hereditary Hemorrhagic Telangiectasia (JPS/HHT). Identifiers: Orphanet 2929, MedGen C1832942, MONDO:0008278, OMIM 175050.

Submissions (2):

Ambry Genetics
Classification: Pathogenic for Hereditary cancer-predisposing syndrome; Familial thoracic aortic aneurysm and aortic dissection. Last evaluated: 2021-03-26. Review status: criteria provided, single submitter. Criteria: Ambry Variant Classification Scheme 2023. Collection method: clinical testing. Allele origin: germline.
Comment: The p.W101* pathogenic mutation (also known as c.303G>A), located in coding exon 2 of the SMAD4 gene, results from a G to A substitution at nucleotide position 303. This changes the amino acid from a tryptophan to a stop codon within coding exon 2. This mutation has been detected in a patient with hereditary hemorrhagic telangiectasia (Shovlin C et al. Blood. 2020 Oct 22; 136(17): 1907&ndash;1918). In addition to the clinical data presented in the literature, this alteration is expected to result in loss of function by premature protein truncation or nonsense-mediated mRNA decay. As such, this alteration is interpreted as a disease-causing mutation.

NIHR Bioresource Rare Diseases, University of Cambridge
Classification: Pathogenic for Juvenile polyposis/hereditary hemorrhagic telangiectasia syndrome. Last evaluated: 2018-01-01. Review status: criteria provided, single submitter. Criteria: ACMG Guidelines, 2015. Collection method: research. Allele origin: unknown. Affected: yes. Observed: 1 variant allele.
Comment: PVS1+PM2+PP4

Literature cited by the submitters: PubMed 32573726 (cited by NIHR Bioresource Rare Diseases, University of Cambridge).

NM_005359.6(SMAD4):c.303G>A (p.Trp101Ter)

Gene: SMAD4 (SMAD family member 4; plus strand). Cytogenetic location: 18q21.2.
Variant type: single nucleotide variant.
Coding change: c.303G>A on transcript NM_005359.6 (MANE Select); coding-DNA position 303, G replaced by A.
Protein change: p.Trp101Ter; replaces tryptophan 101 with a stop codon.
Molecular consequence: nonsense.
Genome position (GRCh38, 1-based): chr18:51,048,739, G>A. VCF-style: chr18-51048739-G-A. GRCh37 (hg19) VCF-style: chr18-48575109-G-A.
Other names: c.303G>A (NM_005359.5); short protein forms W101*.
Identifiers: ClinVar variation 982455 (VCV000982455.3), dbSNP rs1909619442, ClinGen allele CA402458281.